The following is an entry in ClinVar:

ClinVar aggregate classification (germline): Uncertain significance (1 of 4 stars; one submission).

Conditions:
Leigh syndrome (NULS). Also called: Leigh's necrotizing encephalopathy; Leigh's disease; Leigh's syndrome; LEIGH SYNDROME, NUCLEAR; Leigh Syndrome (mtDNA deletion); Leigh Disease. Identifiers: Orphanet 506, MedGen C2931891, MONDO:0009723, OMIM 256000.

Submission:

Wong Mito Lab, Molecular and Human Genetics, Baylor College of Medicine
Classification: Uncertain significance for Leigh syndrome. Last evaluated: 2019-10-17. Review status: criteria provided, single submitter. Criteria: Modified ACMG Guidelines (Unpublished). Collection method: clinical testing. Allele origin: germline.
Comment: The NC_012920.1:m.15584A>G (YP_003024038.1:p.Ile280Val) variant in MTCYB gene is interpretated to be a Uncertain Significance variant based on the modified ACMG guidelines (unpublished). This variant meets the following evidence codes: PP7

NC_012920.1(MT-CYB):m.15584A>G

Gene: MT-CYB (mitochondrially encoded cytochrome b; plus strand).
Variant type: single nucleotide variant.
Genome position: chrM-15584-A-G.
Identifiers: ClinVar variation 693910 (VCV000693910.1), dbSNP rs1603225361, ClinGen allele CA913174277.